The following is an entry in ClinVar:

NM_001035.3(RYR2):c.13782+27TG[15]

Gene: RYR2 (ryanodine receptor 2; plus strand). Cytogenetic location: 1q43.
Variant type: Microsatellite.
Coding change: c.13782+27TG[15] on transcript NM_001035.3 (MANE Select); 15 copies in a row of the 2-base unit TG starting at c.13782+27; the reference has 16 copies in a row; one copy, 2 bases deleted.
Molecular consequence: intron variant.
Genome position (GRCh38, 1-based): chr1:237,792,380-237,792,381, TG deleted; deleting any 2 consecutive bases within chr1:237,792,350-237,792,381 gives the same sequence; the position shown is the placement nearest the transcript's 3' end. VCF-style (leftmost placement, unchanged base first): chr1-237792349-CTG-C. GRCh37 (hg19) VCF-style: chr1-237955649-CTG-C.
Other names: c.13782+27TG[15] (NM_001035.2).
Identifiers: ClinVar variation 1270060 (VCV001270060.2), dbSNP rs34337859, ClinGen allele CA1474976.

ClinVar aggregate classification (germline): Benign. Review status: criteria provided, multiple submitters, no conflicts (2 of 4 stars). 2 submissions from 2 submitters: Benign (2). Last evaluated 2026-09-21.

Submissions (2):

Molecular Diagnostic Laboratory for Inherited Cardiovascular Disease, Montreal Heart Institute
Classification: Benign. Last evaluated: 2026-09-21. Review status: criteria provided, single submitter. Criteria: ACMG Guidelines, 2015. Collection method: clinical testing. Allele origin: germline. Affected: no.
Comment: BA1

GeneDx
Classification: Benign. Last evaluated: 2019-08-10. Review status: criteria provided, single submitter. Criteria: GeneDx Variant Classification Process June 2021. Collection method: clinical testing. Allele origin: germline. Affected: yes.